The following is an entry in ClinVar:

NM_021831.6(AGBL5):c.1177G>C (p.Glu393Gln)

Gene: AGBL5 (AGBL carboxypeptidase 5; plus strand). Cytogenetic location: 2p23.3.
Variant type: single nucleotide variant.
Coding change: c.1177G>C on transcript NM_021831.6 (MANE Select); coding-DNA position 1177, G replaced by C.
Protein change: p.Glu393Gln; replaces glutamic acid 393 with glutamine.
Molecular consequence: missense variant. On other transcripts: non-coding transcript variant (2).
Genome position (GRCh38, 1-based): chr2:27,055,950, G>C. VCF-style: chr2-27055950-G-C. GRCh37 (hg19) VCF-style: chr2-27278818-G-C.
Other names: c.1177G>C, p.Glu393Gln (NM_001035506.1, NM_001035507.3); short protein forms E393Q.
Identifiers: ClinVar variation 1992623 (VCV001992623.4), dbSNP rs2465464224, ClinGen allele CA346179617.
Genomic context (GRCh38, chr2:27,055,950, plus strand): 5'-AATGAAGCTCAGTGTGGGCACTCAGCTGACAGGCATAACGCTGAAGCCTGGAAACAAACA[G>C]AGCCAGCAGAACAGAAGCTCAACAGTGTGTGGATTATGCCACAACAGTCTGCGGGGCTTG-3'
Protein context (NP_068603.4, residues 383-403): RHNAEAWKQT[Glu393Gln]PAEQKLNSVW

ClinVar aggregate classification (germline): Uncertain significance (1 of 4 stars; one submission).

Allele frequency attached by ClinVar (database versions not stated): gnomAD exomes below 0.00001.
gnomAD v4.1: 3 of 1,614,246 alleles (0.00019%); highest among the groups gnomAD compares: Non-Finnish European, 0.00025%; no homozygotes.

Submission:

Labcorp Genetics (formerly Invitae), Labcorp
Classification: Uncertain significance. Last evaluated: 2022-11-01. Review status: criteria provided, single submitter. Criteria: Invitae Variant Classification Sherloc (09022015). Collection method: clinical testing. Allele origin: germline.
Comment: This sequence change replaces glutamic acid, which is acidic and polar, with glutamine, which is neutral and polar, at codon 393 of the AGBL5 protein (p.Glu393Gln). This variant is not present in population databases (gnomAD no frequency). In summary, the available evidence is currently insufficient to determine the role of this variant in disease. Therefore, it has been classified as a Variant of Uncertain Significance. Algorithms developed to predict the effect of missense changes on protein structure and function (SIFT, PolyPhen-2, Align-GVGD) all suggest that this variant is likely to be tolerated. This variant has not been reported in the literature in individuals affected with AGBL5-related conditions.